The following is an entry in ClinVar:

NM_033056.4(PCDH15):c.4449G>A (p.Met1483Ile)

Gene: PCDH15 (protocadherin related 15; minus strand). Cytogenetic location: 10q21.1.
Variant type: single nucleotide variant.
Coding change: c.4449G>A on transcript NM_033056.4 (MANE Plus Clinical); coding-DNA position 4449, G replaced by A.
Protein change: p.Met1483Ile; replaces methionine 1483 with isoleucine.
Molecular consequence: missense variant. On other transcripts: intron variant (8).
Genome position (GRCh38, 1-based): chr10:53,823,277, C>T on the plus strand (G>A on the coding strand, the complement: PCDH15 is on the minus strand). VCF-style: chr10-53823277-C-T. GRCh37 (hg19) VCF-style: chr10-55583037-C-T.
Other names: c.4470G>A, p.Met1490Ile (NM_001142763.2); c.4455G>A, p.Met1485Ile (NM_001142764.2); c.4242G>A, p.Met1414Ile (NM_001142765.2); c.4440G>A, p.Met1480Ile (NM_001142766.2); c.4329G>A, p.Met1443Ile (NM_001142767.2); c.4389G>A, p.Met1463Ile (NM_001142768.2); c.4380G>A, p.Met1460Ile (NM_001142773.2); c.4383G>A, p.Met1461Ile (NM_001354404.2); and 6 more; short protein forms M1414I, M1461I, M1483I, M1460I, M1463I, M1443I, M1480I, M1485I.
Identifiers: ClinVar variation 961852 (VCV000961852.9), dbSNP rs2076430508, ClinGen allele CA376527304.
Genomic context (GRCh38, chr10:53,823,277, plus strand): 5'-CTTAAGTGATCCGTCTACATGAGCTGACTTGTGAGCCTCAATAGTATTGGAAGAAAAGGG[C>T]ATCACAACTTGTTGATGTTTCCTGTCTTCTGAGACTGAGTTATTTCCCCTGCTTTGTTGA-3'
Protein context (NP_149045.3, residues 1473-1493): SEDRKHQQVV[Met1483Ile]PFSSNTIEAH

ClinVar aggregate classification (germline): Uncertain significance (1 of 4 stars; one submission).

Allele frequency attached by ClinVar (database versions not stated): TOPMed below 0.00001; gnomAD 0.00001.
gnomAD v4.1: 1 of 1,613,862 alleles (0.000062%); highest among the groups gnomAD compares: Non-Finnish European, 0.000085%; no homozygotes.

Submission:

Labcorp Genetics (formerly Invitae), Labcorp
Classification: Uncertain significance. Last evaluated: 2024-01-02. Review status: criteria provided, single submitter. Criteria: Invitae Variant Classification Sherloc (09022015). Collection method: clinical testing. Allele origin: germline.
Comment: This sequence change replaces methionine, which is neutral and non-polar, with isoleucine, which is neutral and non-polar, at codon 1483 of the PCDH15 protein (p.Met1483Ile). This variant is not present in population databases (gnomAD no frequency). This variant has not been reported in the literature in individuals affected with PCDH15-related conditions. ClinVar contains an entry for this variant (Variation ID: 961852). An algorithm developed to predict the effect of missense changes on protein structure and function (PolyPhen-2) suggests that this variant is likely to be tolerated. In summary, the available evidence is currently insufficient to determine the role of this variant in disease. Therefore, it has been classified as a Variant of Uncertain Significance.